The following is an entry in ClinVar:

ClinVar aggregate classification (germline): Uncertain significance. Review status: criteria provided, multiple submitters, no conflicts (2 of 4 stars). 3 submissions from 3 submitters: Uncertain significance (3). Last evaluated 2025-10-01.

Conditions:
Inborn genetic diseases. Identifiers: MedGen C0950123, MeSH D030342.

gnomAD v4.1: 3 of 1,614,072 alleles (0.00019%); highest among the groups gnomAD compares: South Asian, 0.0011%; no homozygotes.

Submissions (3):

Athena Diagnostics
Classification: Uncertain significance. Last evaluated: 2025-10-01. Review status: criteria provided, single submitter. Criteria: Athena Diagnostics Criteria. Collection method: clinical testing. Allele origin: unknown.
Comment: Available data are insufficient to determine the clinical significance of the variant at this time. The frequency of this variant in the general population is uninformative in assessment of its pathogenicity. Polyphen and MutationTaster yielded discordant predictions regarding whether this amino acid change is damaging to the protein.

Labcorp Genetics (formerly Invitae), Labcorp
Classification: Uncertain significance. Last evaluated: 2022-05-31. Review status: criteria provided, single submitter. Criteria: Invitae Variant Classification Sherloc (09022015). Collection method: clinical testing. Allele origin: germline.
Comment: In summary, the available evidence is currently insufficient to determine the role of this variant in disease. Therefore, it has been classified as a Variant of Uncertain Significance. Advanced modeling of protein sequence and biophysical properties (such as structural, functional, and spatial information, amino acid conservation, physicochemical variation, residue mobility, and thermodynamic stability) performed at Invitae indicates that this missense variant is expected to disrupt DEAF1 protein function. This variant has not been reported in the literature in individuals affected with DEAF1-related conditions. This variant is present in population databases (no rsID available, gnomAD 0.003%). This sequence change replaces aspartic acid, which is acidic and polar, with histidine, which is basic and polar, at codon 200 of the DEAF1 protein (p.Asp200His).

Ambry Genetics
Classification: Uncertain significance for Inborn genetic diseases. Last evaluated: 2021-12-03. Review status: criteria provided, single submitter. Criteria: Ambry Variant Classification Scheme 2023. Collection method: clinical testing. Allele origin: germline.

NM_021008.4(DEAF1):c.598G>C (p.Asp200His)

Gene: DEAF1 (DEAF1 transcription factor; minus strand). Cytogenetic location: 11p15.5.
Variant type: single nucleotide variant.
Coding change: c.598G>C on transcript NM_021008.4 (MANE Select); coding-DNA position 598, G replaced by C.
Protein change: p.Asp200His; replaces aspartic acid 200 with histidine.
Molecular consequence: missense variant. On other transcripts: 5 prime UTR variant (1).
Genome position (GRCh38, 1-based): chr11:687,977, C>G on the plus strand (G>C on the coding strand, the complement: DEAF1 is on the minus strand). VCF-style: chr11-687977-C-G. GRCh37 (hg19) VCF-style: chr11-687977-C-G.
Other names: c.598G>C, p.Asp200His (NM_001293634.2); c.-129G>C (NM_001367390.1); c.598G>C (NM_021008.3); short protein forms D200H.
Identifiers: ClinVar variation 1919758 (VCV001919758.7), dbSNP rs760535349, ClinGen allele CA378933646.